The following is an entry in ClinVar:

NM_000179.3(MSH6):c.3802-16A>G

Gene: MSH6 (mutS homolog 6; plus strand). Cytogenetic location: 2p16.3.
Variant type: single nucleotide variant.
Coding change: c.3802-16A>G on transcript NM_000179.3 (MANE Select); 16 bases into the intron before coding-DNA position 3802, A replaced by G.
Molecular consequence: intron variant.
Genome position (GRCh38, 1-based): chr2:47,806,436, A>G. VCF-style: chr2-47806436-A-G. GRCh37 (hg19) VCF-style: chr2-48033575-A-G.
Other names: c.2896-16A>G (NM_001281493.2, NM_001281494.2); c.3412-16A>G (NM_001281492.2).
Identifiers: ClinVar variation 491964 (VCV000491964.12), dbSNP rs1454019658, ClinGen allele CA532705508.
Genomic context (GRCh38, chr2:47,806,436, plus strand): 5'-TTTTCCACAAATTCGGTTTTTTGAGAGGGCACTTCTCTTGCTAGCACATGTATCGCTAAT[A>G]TTTTTCTTTCTTAAGGCATGCATGGTAGAAAATGAATGTGAAGACCCCAGCCAGGAGACT-3'

ClinVar aggregate classification (germline): Likely benign. Review status: criteria provided, multiple submitters, no conflicts (2 of 4 stars). 4 submissions from 4 submitters: Likely benign (4). Last evaluated 2026-01-26.

Conditions:
Hereditary nonpolyposis colorectal neoplasms. Identifiers: MedGen C0009405, MeSH D003123.
Lynch syndrome 5 (LYNCH5). Also called: Colorectal cancer, hereditary nonpolyposis, type 5; Hereditary non-polyposis colorectal cancer, type 5. Identifiers: Orphanet 144, MedGen C1833477, MONDO:0013710, OMIM 614350. Disease mechanism: loss of function.
Hereditary cancer-predisposing syndrome. Also called: Hereditary neoplastic syndrome; Tumor predisposition; Hereditary Cancer Syndrome; Neoplastic Syndromes, Hereditary. Identifiers: Orphanet 140162, MedGen C0027672, MeSH D009386, MONDO:0015356.

Allele frequency attached by ClinVar (database versions not stated): gnomAD exomes below 0.00001; gnomAD 0.00001.
gnomAD v4.1: 6 of 1,613,740 alleles (0.00037%); highest among the groups gnomAD compares: African/African-American, 0.0053%; no homozygotes.

Submissions (4):

Labcorp Genetics (formerly Invitae), Labcorp
Classification: Likely benign for Hereditary nonpolyposis colorectal neoplasms. Last evaluated: 2026-01-26. Review status: criteria provided, single submitter. Criteria: Invitae Variant Classification Sherloc (09022015). Collection method: clinical testing. Allele origin: germline.

Myriad Genetics, Inc.
Classification: Likely benign for Lynch syndrome 5. Last evaluated: 2025-01-08. Review status: criteria provided, single submitter. Criteria: Myriad Autosomal Dominant, Autosomal Recessive and X-Linked Classification Criteria (2023). Collection method: clinical testing. Allele origin: unknown.
Comment: This variant is considered likely benign. This variant is intronic and is not expected to impact mRNA splicing.

Color Diagnostics, LLC DBA Color Health
Classification: Likely benign for Hereditary cancer-predisposing syndrome. Last evaluated: 2017-09-29. Review status: criteria provided, single submitter. Criteria: ACMG Guidelines, 2015. Collection method: clinical testing. Allele origin: germline.

GeneDx
Classification: Likely benign. Last evaluated: 2017-05-01. Review status: criteria provided, single submitter. Criteria: GeneDx Variant Classification (06012015). Collection method: clinical testing. Allele origin: germline. Affected: yes.
Comment: This variant is considered likely benign or benign based on one or more of the following criteria: it is a conservative change, it occurs at a poorly conserved position in the protein, it is predicted to be benign by multiple in silico algorithms, and/or has population frequency not consistent with disease.